The following is an entry in ClinVar:

ClinVar aggregate classification (germline): Likely pathogenic (1 of 4 stars; one submission).

Conditions:
Inborn genetic diseases. Identifiers: MedGen C0950123, MeSH D030342.

Submission:

Ambry Genetics
Classification: Likely pathogenic for Inborn genetic diseases. Last evaluated: 2026-08-14. Review status: criteria provided, single submitter. Criteria: Ambry Variant Classification Scheme 2023. Collection method: clinical testing. Allele origin: germline.
Comment: The c.1464+182A>G intronic variant consists of an A to G substitution 182 nucleotides after exon 14 (coding exon 14) of the HGSNAT gene. This variant was not reported in population-based cohorts in the Genome Aggregation Database (gnomAD). This nucleotide position is not well conserved in available vertebrate species. In silico splice site analysis predicts that this alteration may result in the creation or strengthening of a novel splice donor site and may result in the creation or strengthening of a novel splice acceptor site. Based on the available evidence, this alteration is classified as likely pathogenic.

NM_152419.3(HGSNAT):c.1464+182A>G

Gene: HGSNAT (heparan-alpha-glucosaminide N-acetyltransferase; plus strand). Cytogenetic location: 8p11.21.
Variant type: single nucleotide variant.
Coding change: c.1464+182A>G on transcript NM_152419.3 (MANE Select); 182 bases into the intron after coding-DNA position 1464, A replaced by G.
Molecular consequence: intron variant.
Genome position (GRCh38, 1-based): chr8:43,194,025, A>G. VCF-style: chr8-43194025-A-G. GRCh37 (hg19) VCF-style: chr8-43049168-A-G.
Other names: c.1464+182A>G (NM_152419.2, NM_001363227.2); c.600+182A>G (NM_001363229.2); c.1272+182A>G (NM_001363228.2).
Identifiers: ClinVar variation 4857156 (VCV004857156.1).